The following is an entry in ClinVar:

ClinVar aggregate classification (germline): Uncertain significance (1 of 4 stars; one submission).

Conditions:
Myopathy, proximal, and ophthalmoplegia (CMYO6). Also called: MYOPATHY WITH CONGENITAL JOINT CONTRACTURES, OPHTHALMOPLEGIA, AND RIMMED VACUOLES; INCLUSION BODY MYOPATHY 3, AUTOSOMAL DOMINANT; CONGENITAL MYOPATHY 6 WITH OPHTHALMOPLEGIA. Identifiers: Orphanet 363677, Orphanet 79091, MedGen C1854106, MONDO:0011577, OMIM 605637.

Allele frequency attached by ClinVar (database versions not stated): gnomAD exomes below 0.00001; TOPMed below 0.00001; gnomAD 0.00001.
gnomAD v4.1: 7 of 1,613,888 alleles (0.00043%); highest among the groups gnomAD compares: African/African-American, 0.0013%; no homozygotes.

Submission:

Labcorp Genetics (formerly Invitae), Labcorp
Classification: Uncertain significance for Myopathy, proximal, and ophthalmoplegia. Last evaluated: 2025-12-09. Review status: criteria provided, single submitter. Criteria: Invitae Variant Classification Sherloc (09022015). Collection method: clinical testing. Allele origin: germline.
Comment: This sequence change replaces glutamic acid, which is acidic and polar, with lysine, which is basic and polar, at codon 1382 of the MYH2 protein (p.Glu1382Lys). This variant is not present in population databases (gnomAD no frequency). This variant has not been reported in the literature in individuals affected with MYH2-related conditions. ClinVar contains an entry for this variant (Variation ID: 1507493). Invitae Evidence Modeling of protein sequence and biophysical properties (such as structural, functional, and spatial information, amino acid conservation, physicochemical variation, residue mobility, and thermodynamic stability) indicates that this missense variant is not expected to disrupt MYH2 protein function with a negative predictive value of 80%. In summary, the available evidence is currently insufficient to determine the role of this variant in disease. Therefore, it has been classified as a Variant of Uncertain Significance.

NM_017534.6(MYH2):c.4144G>A (p.Glu1382Lys)

Genes: MYH2 (myosin heavy chain 2; minus strand), MYHAS (myosin heavy chain gene cluster antisense RNA; plus strand). Cytogenetic location: 17p13.1.
Variant type: single nucleotide variant.
Coding change: c.4144G>A on transcript NM_017534.6 (MANE Select); coding-DNA position 4144, G replaced by A.
Protein change: p.Glu1382Lys; replaces glutamic acid 1382 with lysine.
Molecular consequence: missense variant.
Genome position (GRCh38, 1-based): chr17:10,526,642, C>T on the plus strand (G>A on the coding strand, the complement: MYH2 is on the minus strand). VCF-style: chr17-10526642-C-T. GRCh37 (hg19) VCF-style: chr17-10429959-C-T.
Other names: c.4144G>A, p.Glu1382Lys (NM_001100112.2); short protein forms E1382K.
Identifiers: ClinVar variation 1507493 (VCV001507493.8), dbSNP rs2073357858, ClinGen allele CA398127266.